The following is an entry in ClinVar:

NM_024675.4(PALB2):c.2420C>G (p.Pro807Arg)

Gene: PALB2 (partner and localizer of BRCA2; minus strand). Cytogenetic location: 16p12.2.
Variant type: single nucleotide variant.
Coding change: c.2420C>G on transcript NM_024675.4 (MANE Select); coding-DNA position 2420, C replaced by G.
Protein change: p.Pro807Arg; replaces proline 807 with arginine.
Molecular consequence: missense variant. On other transcripts: intron variant (1).
Genome position (GRCh38, 1-based): chr16:23,629,734, G>C on the plus strand (C>G on the coding strand, the complement: PALB2 is on the minus strand). VCF-style: chr16-23629734-G-C. GRCh37 (hg19) VCF-style: chr16-23641055-G-C.
Other names: c.2360C>G, p.Pro787Arg (NM_001407296.1); c.2420C>G, p.Pro807Arg (NM_001407297.1, NM_001407298.1, NM_001407299.1 and 3 more transcripts); c.1535C>G, p.Pro512Arg (NM_001407304.1, NM_001407305.1, NM_001407306.1 and 5 more transcripts); c.632C>G, p.Pro211Arg (NM_001407312.1, NM_001407313.1); c.49-459C>G (NM_001407314.1); short protein forms P211R, P787R, P512R, P807R.
Identifiers: ClinVar variation 2567595 (VCV002567595.4), dbSNP rs2142373343, ClinGen allele CA395124335.

ClinVar aggregate classification (germline): Uncertain significance. Review status: criteria provided, multiple submitters, no conflicts (2 of 4 stars). 2 submissions from 2 submitters: Uncertain significance (2). Last evaluated 2024-10-15.

Conditions:
Hereditary cancer-predisposing syndrome. Also called: Hereditary neoplastic syndrome; Hereditary Cancer Syndrome; Neoplastic Syndromes, Hereditary; Tumor predisposition. Identifiers: Orphanet 140162, MedGen C0027672, MeSH D009386, MONDO:0015356.
Familial cancer of breast. Also called: hereditary breast carcinoma; Hereditary breast cancer; BREAST CANCER, FAMILIAL. Identifiers: Orphanet 227535, MedGen C0346153, MONDO:0016419, OMIM 114480. Disease mechanism: loss of function.

Submissions (2):

Labcorp Genetics (formerly Invitae), Labcorp
Classification: Uncertain significance for Familial cancer of breast. Last evaluated: 2024-10-15. Review status: criteria provided, single submitter. Criteria: Invitae Variant Classification Sherloc (09022015). Collection method: clinical testing. Allele origin: germline.
Comment: This sequence change replaces proline, which is neutral and non-polar, with arginine, which is basic and polar, at codon 807 of the PALB2 protein (p.Pro807Arg). This variant is not present in population databases (gnomAD no frequency). This variant has not been reported in the literature in individuals affected with PALB2-related conditions. ClinVar contains an entry for this variant (Variation ID: 2567595). Invitae Evidence Modeling of protein sequence and biophysical properties (such as structural, functional, and spatial information, amino acid conservation, physicochemical variation, residue mobility, and thermodynamic stability) indicates that this missense variant is not expected to disrupt PALB2 protein function with a negative predictive value of 80%. In summary, the available evidence is currently insufficient to determine the role of this variant in disease. Therefore, it has been classified as a Variant of Uncertain Significance.

Ambry Genetics
Classification: Uncertain significance for Hereditary cancer-predisposing syndrome. Last evaluated: 2023-06-10. Review status: criteria provided, single submitter. Criteria: Ambry Variant Classification Scheme 2023. Collection method: clinical testing. Allele origin: germline.
Comment: The p.P807R variant (also known as c.2420C>G), located in coding exon 5 of the PALB2 gene, results from a C to G substitution at nucleotide position 2420. The proline at codon 807 is replaced by arginine, an amino acid with dissimilar properties. This amino acid position is conserved. In addition, this alteration is predicted to be tolerated by in silico analysis. Since supporting evidence is limited at this time, the clinical significance of this alteration remains unclear.